The following is an entry in ClinVar:

ClinVar aggregate classification (germline): Likely benign (1 of 4 stars; one submission).

Allele frequency attached by ClinVar (database versions not stated): gnomAD exomes 0.00005; TOPMed 0.00005; 1000 Genomes Project 30x 0.00016; gnomAD 0.00004; 1000 Genomes Project 0.00020; ESP Exome Variant Server 0.00023; ExAC 0.00006.
gnomAD v4.1: 86 of 1,614,010 alleles (0.0053%); highest among the groups gnomAD compares: Non-Finnish European, 0.0065%; no homozygotes.

Submission:

CeGaT Center for Human Genetics Tuebingen
Classification: Likely benign. Last evaluated: 2023-01-01. Review status: criteria provided, single submitter. Criteria: CeGaT Center For Human Genetics Tuebingen Variant Classification Criteria Version 2. Collection method: clinical testing. Allele origin: germline. Affected: yes. Observed: 1 variant allele.
Comment: LURAP1: BP4, BP7

NM_001013615.3(LURAP1):c.669C>T (p.Phe223=)

Genes: LURAP1 (leucine rich adaptor protein 1; plus strand), POMGNT1 (protein O-linked mannose N-acetylglucosaminyltransferase 1 (beta 1,2-); minus strand). Cytogenetic location: 1p34.1.
Variant type: single nucleotide variant.
Coding change: c.669C>T on transcript NM_001013615.3 (MANE Select); coding-DNA position 669, C replaced by T.
Protein change: p.Phe223=; no amino-acid change (phenylalanine 223 retained).
Molecular consequence: synonymous variant. On other transcripts: 5 prime UTR variant (1).
Genome position (GRCh38, 1-based): chr1:46,220,169, C>T. VCF-style: chr1-46220169-C-T. GRCh37 (hg19) VCF-style: chr1-46685841-C-T.
Other names: c.-515G>A (NM_001243766.2).
Identifiers: ClinVar variation 2638796 (VCV002638796.22), dbSNP rs150073699, ClinGen allele CA834067.
Genomic context (GRCh38, chr1:46,220,169, plus strand): 5'-GGAGAGGCTTCAAGGTGGACCACCTGAGTCACCAGAGGATGAGAGTGCCAAGCTGGGCTT[C>T]GAGGCCCACTGGTTCTGGGAGCAGTGCCAGGATGATGTGACCTTCTTGTAACAACTATTC-3'
Protein context (NP_001013633.1, residues 213-233): SPEDESAKLG[Phe223=]EAHWFWEQCQ